The following is an entry in ClinVar:

NM_001849.4(COL6A2):c.838G>C (p.Gly280Arg)

Gene: COL6A2 (collagen type VI alpha 2 chain; plus strand). Cytogenetic location: 21q22.3.
Variant type: single nucleotide variant.
Coding change: c.838G>C on transcript NM_001849.4 (MANE Select); coding-DNA position 838, G replaced by C.
Protein change: p.Gly280Arg; replaces glycine 280 with arginine.
Molecular consequence: missense variant.
Genome position (GRCh38, 1-based): chr21:46,115,908, G>C. VCF-style: chr21-46115908-G-C. GRCh37 (hg19) VCF-style: chr21-47535822-G-C.
Other names: c.838G>C, p.Gly280Arg (NM_058174.3, NM_058175.3); short protein forms G280R.
Identifiers: ClinVar variation 286150 (VCV000286150.15), dbSNP rs886043323, ClinGen allele CA10605378.
Genomic context (GRCh38, chr21:46,115,908, plus strand): 5'-ATGTACTCTTTTCTCTGCTTTTAGGGTGCCAAGGGCAACATGGGTGAGCCGGGAGAGCCT[G>C]GCCAGAAGGGAAGACAGGTGAGTGTCCTTGCCCCACGCCCGCCCCGCCTGCAGCCCAGCG-3'
Protein context (NP_001840.3, residues 270-290): KGNMGEPGEP[Gly280Arg]QKGRQGDPGI

ClinVar aggregate classification (germline): Pathogenic/Likely pathogenic. Review status: criteria provided, multiple submitters, no conflicts (2 of 4 stars). 2 submissions from 2 submitters: Pathogenic (1); Likely pathogenic (1). Last evaluated 2023-08-10.

Conditions:
Bethlem myopathy 1A. Also called: Bethlem Muscular Dystrophy; MYOPATHY, BENIGN CONGENITAL, WITH CONTRACTURES; Bethlem myopathy 1. Identifiers: Orphanet 610, MedGen CN029274, MONDO:0024530, OMIM 158810.

Submissions (2):

Labcorp Genetics (formerly Invitae), Labcorp
Classification: Pathogenic for Bethlem myopathy 1A. Last evaluated: 2023-08-10. Review status: criteria provided, single submitter. Criteria: Invitae Variant Classification Sherloc (09022015). Collection method: clinical testing. Allele origin: germline.
Comment: For these reasons, this variant has been classified as Pathogenic. This variant disrupts the triple helix domain of COL6A2. Glycine residues within the Gly-Xaa-Yaa repeats of the triple helix domain are required for the structure and stability of fibrillar collagens (PMID: 7695699, 8218237, 19344236). In COL6A2, missense variants at these glycine residues are significantly enriched in individuals with autosomal dominant disease (PMID: 15689448, 24038877) compared to the general population (ExAC). Advanced modeling of protein sequence and biophysical properties (such as structural, functional, and spatial information, amino acid conservation, physicochemical variation, residue mobility, and thermodynamic stability) performed at Invitae indicates that this missense variant is expected to disrupt COL6A2 protein function. ClinVar contains an entry for this variant (Variation ID: 286150). This variant has not been reported in the literature in individuals affected with COL6A2-related conditions. This variant is not present in population databases (gnomAD no frequency). This sequence change replaces glycine, which is neutral and non-polar, with arginine, which is basic and polar, at codon 280 of the COL6A2 protein (p.Gly280Arg).

Eurofins Ntd Llc (ga)
Classification: Likely pathogenic. Last evaluated: 2016-02-11. Review status: criteria provided, single submitter. Criteria: EGL Classification Definitions 2015. Collection method: clinical testing. Allele origin: germline. Observed: 1 variant allele, 1 heterozygote.

Literature cited by the submitters: PubMed 7695699 (cited by Labcorp Genetics (formerly Invitae), Labcorp); PubMed 8218237 (cited by Labcorp Genetics (formerly Invitae), Labcorp); PubMed 19344236 (cited by Labcorp Genetics (formerly Invitae), Labcorp); PubMed 15689448 (cited by Labcorp Genetics (formerly Invitae), Labcorp); PubMed 24038877 (cited by Labcorp Genetics (formerly Invitae), Labcorp).